The following is an entry in ClinVar:

ClinVar aggregate classification (germline): Uncertain significance (0 of 4 stars; one submission).

Conditions:
ARID1A-related disorder. Also called: ARID1A-related condition.

Allele frequency attached by ClinVar (database versions not stated): gnomAD exomes below 0.00001.
gnomAD v4.1: 1 of 1,614,230 alleles (0.000062%); highest among the groups gnomAD compares: East Asian, 0.0022%; no homozygotes.

Submission:

PreventionGenetics, part of Exact Sciences
Classification: Uncertain significance for ARID1A-related condition. Last evaluated: 2023-12-11. Review status: no assertion criteria provided. Collection method: clinical testing. Allele origin: germline.
Comment: The ARID1A c.2195A>G variant is predicted to result in the amino acid substitution p.Gln732Arg. To our knowledge, this variant has not been reported in the literature. This variant is reported in 0.0054% of alleles in individuals of East Asian descent in gnomAD. At this time, the clinical significance of this variant is uncertain due to the absence of conclusive functional and genetic evidence.

NM_006015.6(ARID1A):c.2195A>G (p.Gln732Arg)

Gene: ARID1A (AT-rich interaction domain 1A; plus strand). Cytogenetic location: 1p36.11.
Variant type: single nucleotide variant.
Coding change: c.2195A>G on transcript NM_006015.6 (MANE Select); coding-DNA position 2195, A replaced by G.
Protein change: p.Gln732Arg; replaces glutamine 732 with arginine.
Molecular consequence: missense variant.
Genome position (GRCh38, 1-based): chr1:26,761,417, A>G. VCF-style: chr1-26761417-A-G. GRCh37 (hg19) VCF-style: chr1-27087908-A-G.
Other names: c.2195A>G, p.Gln732Arg (NM_139135.4); short protein forms Q732R.
Identifiers: ClinVar variation 3052260 (VCV003052260.2), dbSNP rs1472315918, ClinGen allele CA339154711.